The following is an entry in ClinVar:

ClinVar aggregate classification (germline): Conflicting classifications of pathogenicity. Review status: criteria provided, conflicting classifications (1 of 4 stars). 7 submissions from 7 submitters: Pathogenic (2); Likely pathogenic (3); Uncertain significance (1). 1 of the submissions does not count toward it. Last evaluated 2025-11-19.

Conditions:
Hereditary cancer-predisposing syndrome. Also called: Hereditary Cancer Syndrome; Tumor predisposition; Neoplastic Syndromes, Hereditary; Hereditary neoplastic syndrome. Identifiers: Orphanet 140162, MedGen C0027672, MeSH D009386, MONDO:0015356.
Hereditary leiomyomatosis and renal cell cancer. Also called: Familial leiomyomatosis; Multiple cutaneous leiomyomas; MULTIPLE CUTANEOUS AND UTERINE LEIOMYOMATA 1, WITH OR WITHOUT RENAL CELL CARCINOMA; Reed syndrome; Multiple cutaneous and uterine leiomyomatosis; Cutaneous leiomyomata with uterine leiomyomata. Identifiers: Orphanet 523, MedGen C1708350, MONDO:0007888, OMIM 150800, HP:0007437. Disease mechanism: loss of function.

gnomAD v4.1: 2 of 1,614,132 alleles (0.00012%); highest among the groups gnomAD compares: Non-Finnish European, 0.00017%; no homozygotes.

Submissions (7):

Labcorp Genetics (formerly Invitae), Labcorp
Classification: Pathogenic. Last evaluated: 2025-11-19. Review status: criteria provided, single submitter. Criteria: Invitae Variant Classification Sherloc (09022015). Collection method: clinical testing. Allele origin: germline.
Comment: This sequence change replaces alanine, which is neutral and non-polar, with aspartic acid, which is acidic and polar, at codon 385 of the FH protein (p.Ala385Asp). This variant is not present in population databases (gnomAD no frequency). This missense change has been observed in individual(s) with hereditary leiomyomatosis and renal cell cancer (PMID: 15937070; internal data). It has also been observed to segregate with disease in related individuals. This variant is also known as c.1025C>A, p.Ala342Asp. ClinVar contains an entry for this variant (Variation ID: 167065). Invitae Evidence Modeling of protein sequence and biophysical properties (such as structural, functional, and spatial information, amino acid conservation, physicochemical variation, residue mobility, and thermodynamic stability) indicates that this missense variant is expected to disrupt FH protein function with a positive predictive value of 95%. For these reasons, this variant has been classified as Pathogenic.

Molecular Pathology, Peter Maccallum Cancer Centre
Classification: Likely pathogenic for Hereditary leiomyomatosis and renal cell cancer. Last evaluated: 2024-12-09. Review status: criteria provided, single submitter. Criteria: ACMG Guidelines, 2015. Collection method: clinical testing. Allele origin: germline. Inheritance: Autosomal dominant inheritance.

Ambry Genetics
Classification: Pathogenic for Hereditary cancer-predisposing syndrome. Last evaluated: 2024-02-02. Review status: criteria provided, single submitter. Criteria: Ambry Variant Classification Scheme 2023. Collection method: clinical testing. Allele origin: germline.
Comment: The p.A385D pathogenic mutation (also known as c.1154C>A), located in coding exon 8 of the FH gene, results from a C to A substitution at nucleotide position 1154. The alanine at codon 385 is replaced by aspartic acid, an amino acid with dissimilar properties. This alteration has been identified in at least two families with multiple cutaneous and uterine leiomyomas and diagnosis of hereditary leiomyomatosis and renal cell carcinoma (HLRCC) (Wei MH et al. J. Med. Genet. 2006 Jan; 43(1):18-27; Ambry internal data). This amino acid position is highly conserved in available vertebrate species. In addition, this alteration is predicted to be deleterious by in silico analysis. Based on the supporting evidence, this alteration is interpreted as a disease-causing mutation.

Quest Diagnostics Nichols Institute San Juan Capistrano
Classification: Likely pathogenic. Last evaluated: 2023-12-12. Review status: criteria provided, single submitter. Criteria: Quest Diagnostics criteria. Collection method: clinical testing. Allele origin: unknown.
Comment: The FH c.1154C>A (p.Ala385Asp) variant has been reported in the published literature in individuals with HLRCC and to segregate with disease in one affected family (PMIDs: 23211287 (2013), 15937070 (2006)). This variant has not been reported in large, multi-ethnic general populations (Genome Aggregation Database). Analysis of this variant using bioinformatics tools for the prediction of the effect of amino acid changes on protein structure and function yielded predictions that this variant is damaging. Based on the available information, this variant is classified as likely pathogenic.

GeneDx
Classification: Likely pathogenic. Last evaluated: 2023-08-18. Review status: criteria provided, single submitter. Criteria: GeneDx Variant Classification Process June 2021. Collection method: clinical testing. Allele origin: germline. Affected: yes.
Comment: Segregates with disease in multiple individuals with features of Hereditary Leiomyomatosis and Renal Cell Cancer (HLRCC) from several families referred for genetic testing at GeneDx and in published literature (Wei 2006, Sanz-Ortega 2013); Not observed at significant frequency in large population cohorts (gnomAD); In silico analysis supports that this missense variant has a deleterious effect on protein structure/function; Also known as c.1025C>A, p.Ala342Asp; This variant is associated with the following publications: (PMID: 21398687, 21445611, 21340633, 15937070, 23211287)

Eurofins Ntd Llc (ga)
Classification: Uncertain significance. Last evaluated: 2014-01-06. Review status: criteria provided, single submitter. Criteria: EGL Classification Definitions 2015. Collection method: clinical testing. Allele origin: germline. Observed: 1 variant allele, 1 heterozygote.

Genomic Diagnostic Laboratory, Division of Genomic Diagnostics, Children's Hospital of Philadelphia
Classification: Uncertain significance for Hereditary leiomyomatosis and renal cell cancer. Last evaluated: 2017-01-17. Review status: flagged submission. Criteria: DGD Variant Analysis Guidelines. Collection method: clinical testing. Allele origin: germline. Affected: yes. Observed: 1 variant allele. Not counted in ClinVar's aggregate classification.
Comment: Clinical Testing
ClinVar note: Reason: Older claim that does not account for recent evidence

Literature cited by the submitters: PubMed 15937070 (cited by 3 submitters); PubMed 23211287 (cited by Quest Diagnostics Nichols Institute San Juan Capistrano); PubMed 21398687 (cited by Quest Diagnostics Nichols Institute San Juan Capistrano).

NM_000143.4(FH):c.1154C>A (p.Ala385Asp)

Gene: FH (fumarate hydratase; minus strand). Cytogenetic location: 1q43.
Variant type: single nucleotide variant.
Coding change: c.1154C>A on transcript NM_000143.4 (MANE Select); coding-DNA position 1154, C replaced by A.
Protein change: p.Ala385Asp; replaces alanine 385 with aspartic acid.
Molecular consequence: missense variant.
Genome position (GRCh38, 1-based): chr1:241,502,525, G>T on the plus strand (C>A on the coding strand, the complement: FH is on the minus strand). VCF-style: chr1-241502525-G-T. GRCh37 (hg19) VCF-style: chr1-241665825-G-T.
Other names: p.A385D:GCC>GAC.
Identifiers: ClinVar variation 167065 (VCV000167065.24), dbSNP rs727503926, ClinGen allele CA295616.